The following is an entry in ClinVar:

ClinVar aggregate classification (germline): Pathogenic. Review status: criteria provided, multiple submitters, no conflicts (2 of 4 stars). 3 submissions from 3 submitters: Pathogenic (3). Last evaluated 2024-10-16.

Conditions:
Lissencephaly due to LIS1 mutation (LIS1). Also called: PAFAH1B1-Related Lissencephaly/Subcortical Band Heterotopia; Isolated Lissencephaly Sequence; PAFAH1B1-Associated Lissencephaly/Subcortical Band Heterotopia. Identifiers: Orphanet 95232, MedGen C4749301, MONDO:0011830, OMIM 607432.

Submissions (3):

GeneDx
Classification: Pathogenic. Last evaluated: 2024-10-16. Review status: criteria provided, single submitter. Criteria: GeneDx Variant Classification Process June 2021. Collection method: clinical testing. Allele origin: germline. Affected: yes.
Comment: Frameshift variant predicted to result in protein truncation or nonsense mediated decay in a gene for which loss of function is a known mechanism of disease; Not observed at significant frequency in large population cohorts (gnomAD); This variant is associated with the following publications: (PMID: 38225666, 36100855, 11754098)

Genetic Services Laboratory, University of Chicago
Classification: Pathogenic for Lissencephaly 1. Last evaluated: 2013-02-08. Review status: criteria provided, single submitter. Criteria: ACMG Guidelines, 2007. Collection method: clinical testing. Allele origin: germline. Affected: yes.

Clinical Genetics Service, Universitary Hospital 12 de Octubre
Classification: Pathogenic for Lissencephaly due to LIS1 mutation. Review status: criteria provided, single submitter. Criteria: ACMG Guidelines, 2015. Collection method: clinical testing. Allele origin: germline. Affected: yes.

NM_000430.4(PAFAH1B1):c.773_774del (p.Val258fs)

Gene: PAFAH1B1 (platelet activating factor acetylhydrolase 1b regulatory subunit 1; plus strand). Cytogenetic location: 17p13.3.
Variant type: Microsatellite.
Coding change: c.773_774del on transcript NM_000430.4 (MANE Select); coding-DNA positions 773 to 774, 2 bases deleted (TG; older notation c.773_774delTG).
Protein change: p.Val258fs; shifts the reading frame from valine 258.
Molecular consequence: frameshift variant.
Genome position (GRCh38, 1-based): chr17:2,674,161-2,674,162, TG deleted; deleting any 2 consecutive bases within chr17:2,674,159-2,674,162 gives the same sequence; the c. name uses the placement nearest the transcript's 3' end. VCF-style (leftmost placement, unchanged base first): chr17-2674158-CTG-C. GRCh37 (hg19) VCF-style: chr17-2577452-CTG-C.
Other names: c.773_774del (NM_000430.3); short protein forms V258fs.
Identifiers: ClinVar variation 211833 (VCV000211833.8), dbSNP rs797045869, ClinGen allele CA277243.